The following is an entry in ClinVar:

NM_001365536.1(SCN9A):c.1157T>C (p.Ile386Thr)

Genes: SCN1A-AS1 (SCN1A and SCN9A antisense RNA 1; plus strand), SCN9A (sodium voltage-gated channel alpha subunit 9; minus strand). Cytogenetic location: 2q24.3.
Variant type: single nucleotide variant.
Coding change: c.1157T>C on transcript NM_001365536.1 (MANE Select); coding-DNA position 1157, T replaced by C.
Protein change: p.Ile386Thr; replaces isoleucine 386 with threonine.
Molecular consequence: missense variant.
Genome position (GRCh38, 1-based): chr2:166,288,594, A>G on the plus strand (T>C on the coding strand, the complement: SCN9A is on the minus strand). VCF-style: chr2-166288594-A-G. GRCh37 (hg19) VCF-style: chr2-167145104-A-G.
Other names: c.1157T>C, p.Ile386Thr (NM_002977.4); short protein forms I386T.
Identifiers: ClinVar variation 4864183 (VCV004864183.1).
Genomic context (GRCh38, chr2:166,288,594, plus strand): 5'-TCATATGCCATGGCAACCACAGCCAGGATCAAGTTTATTAGATAAAAGGAGCCCAGGAAA[A>G]TCACTACGACAAAGAAGATCATGTAGGTTTTGCCAGCAGCACGCAGCGTCTAGGGAAAAA-3'
Protein context (NP_001352465.1, residues 376-396): KTYMIFFVVV[Ile386Thr]FLGSFYLINL

ClinVar aggregate classification (germline): Uncertain significance (1 of 4 stars; one submission).

Conditions:
Inborn genetic diseases. Identifiers: MedGen C0950123, MeSH D030342.

Submission:

Ambry Genetics
Classification: Uncertain significance for Inborn genetic diseases. Last evaluated: 2026-04-29. Review status: criteria provided, single submitter. Criteria: Ambry Variant Classification Scheme 2023. Collection method: clinical testing. Allele origin: germline.
Comment: The c.1157T>C (p.I386T) alteration is located in exon 10 (coding exon 9) of the SCN9A gene. This alteration results from a T to C substitution at nucleotide position 1157, causing the isoleucine (I) at amino acid position 386 to be replaced by a threonine (T). This variant was not reported in population-based cohorts in the Genome Aggregation Database (gnomAD). This amino acid position is highly conserved in available vertebrate species. This alteration is predicted to be deleterious by in silico analysis. Based on insufficient or conflicting evidence, the clinical significance of this alteration remains unclear.